The following is an entry in ClinVar:

NM_001267550.2(TTN):c.102154C>T (p.Arg34052Trp)

Genes: TTN-AS1 (TTN antisense RNA 1; plus strand), TTN (titin; minus strand). Cytogenetic location: 2q31.2.
Variant type: single nucleotide variant.
Coding change: c.102154C>T on transcript NM_001267550.2 (MANE Select); coding-DNA position 102154, C replaced by T.
Protein change: p.Arg34052Trp; replaces arginine 34052 with tryptophan.
Molecular consequence: missense variant.
Genome position (GRCh38, 1-based): chr2:178,534,461, G>A on the plus strand (C>T on the coding strand, the complement: TTN is on the minus strand). VCF-style: chr2-178534461-G-A. GRCh37 (hg19) VCF-style: chr2-179399188-G-A.
Other names: c.97231C>T, p.Arg32411Trp (NM_001256850.1); c.74959C>T, p.Arg24987Trp (NM_003319.4); c.94450C>T, p.Arg31484Trp (NM_133378.4); c.75334C>T, p.Arg25112Trp (NM_133432.3); c.75535C>T, p.Arg25179Trp (NM_133437.4); short protein forms R24987W, R25112W, R25179W, R31484W, R32411W, R34052W.
Identifiers: ClinVar variation 1002561 (VCV001002561.7), dbSNP rs756924372, ClinGen allele CA60959454.
Genomic context (GRCh38, chr2:178,534,461, plus strand): 5'-ATGGGTGCTGGAGAGCCTCCGATGCTGTCATGCGAGATTTCCTCTCTTTCACTAACAACC[G>A]GTCAACAAAATCCATGGCTTCAATGCTAATCTCTTTGAATGCTTCCTCATCGAAAGTATA-3'
Protein context (NP_001254479.2, residues 34042-34062): ISIEAMDFVD[Arg34052Trp]LLVKERKSRM

ClinVar aggregate classification (germline): Uncertain significance (1 of 4 stars; one submission).

Conditions:
Dilated cardiomyopathy 1G (CMD1G). Identifiers: Orphanet 154, MedGen C1858763, MONDO:0011400, OMIM 604145.
Autosomal recessive limb-girdle muscular dystrophy type 2J (LGMDR10). Also called: Limb-girdle muscular dystrophy, type 2J; MUSCULAR DYSTROPHY, LIMB-GIRDLE, AUTOSOMAL RECESSIVE 10. Identifiers: Orphanet 140922, MedGen C1837342, MONDO:0012127, OMIM 608807.

Allele frequency attached by ClinVar (database versions not stated): TOPMed 0.00002.
gnomAD v4.1: 6 of 1,613,262 alleles (0.00037%); highest among the groups gnomAD compares: East Asian, 0.0022%; no homozygotes.

Submission:

Labcorp Genetics (formerly Invitae), Labcorp
Classification: Uncertain significance for Dilated cardiomyopathy 1G; Autosomal recessive limb-girdle muscular dystrophy type 2J. Last evaluated: 2024-08-13. Review status: criteria provided, single submitter. Criteria: Invitae Variant Classification Sherloc (09022015). Collection method: clinical testing. Allele origin: germline.
Comment: This sequence change replaces arginine, which is basic and polar, with tryptophan, which is neutral and slightly polar, at codon 34052 of the TTN protein (p.Arg34052Trp). This variant is not present in population databases (gnomAD no frequency). This variant has not been reported in the literature in individuals affected with TTN-related conditions. ClinVar contains an entry for this variant (Variation ID: 1002561). Experimental studies and prediction algorithms are not available or were not evaluated, and the functional significance of this variant is currently unknown. This variant is located in the M band of TTN (PMID: 25589632). Non-truncating variants in this region may be relevant for neuromuscular disorders, but have not been definitively shown to cause cardiomyopathy (PMID: 23975875). In summary, the available evidence is currently insufficient to determine the role of this variant in disease. Therefore, it has been classified as a Variant of Uncertain Significance.

Literature cited by the submitters: PubMed 25589632; PubMed 23975875.